The following is an entry in ClinVar:

NM_001386298.1(CIC):c.3800G>A (p.Ser1267Asn)

Gene: CIC (capicua transcriptional repressor; plus strand). Cytogenetic location: 19q13.2.
Variant type: single nucleotide variant.
Coding change: c.3800G>A on transcript NM_001386298.1 (MANE Select); coding-DNA position 3800, G replaced by A.
Protein change: p.Ser1267Asn; replaces serine 1267 with asparagine.
Molecular consequence: missense variant.
Genome position (GRCh38, 1-based): chr19:42,289,029, G>A. VCF-style: chr19-42289029-G-A. GRCh37 (hg19) VCF-style: chr19-42793181-G-A.
Other names: c.3800G>A, p.Ser1267Asn (NM_001304815.2, NM_001379480.1, NM_001379482.1); c.1073G>A, p.Ser358Asn (NM_001379484.1, NM_001379485.1, NM_015125.5); short protein forms S1267N, S358N.
Identifiers: ClinVar variation 1191303 (VCV001191303.2), dbSNP rs143474767, ClinGen allele CA308628796.
Genomic context (GRCh38, chr19:42,289,029, plus strand): 5'-CAGAACGGCTACACACAGTTGGGGGACCTGGCTCAGCCCGGCCCCGAGCTTTCTCCCACA[G>A]CGGGGTACACAGCCTGGACGGCGGAGAAGTAGACAGTCAGGCGCTACAGGAACTGACGCA-3'
Protein context (NP_001373227.1, residues 1257-1277): GSARPRAFSH[Ser1267Asn]GVHSLDGGEV

ClinVar aggregate classification (germline): Likely benign (1 of 4 stars; one submission).

Allele frequency attached by ClinVar (database versions not stated): gnomAD exomes below 0.00001 and 0.00001; TOPMed below 0.00001; gnomAD 0.00001; ESP Exome Variant Server 0.00008.
gnomAD v4.1: 4 of 1,613,704 alleles (0.00025%); highest among the groups gnomAD compares: Non-Finnish European, 0.00034%; no homozygotes.

Submission:

GeneDx
Classification: Likely benign. Last evaluated: 2020-01-09. Review status: criteria provided, single submitter. Criteria: GeneDx Variant Classification Process June 2021. Collection method: clinical testing. Allele origin: germline. Affected: yes.
Comment: In silico analysis, which includes protein predictors and evolutionary conservation, supports that this variant does not alter protein structure/function; Has not been previously published as pathogenic or benign to our knowledge